The following is an entry in ClinVar:

NM_006389.5(HYOU1):c.1000A>G (p.Met334Val)

Gene: HYOU1 (hypoxia up-regulated 1; minus strand). Cytogenetic location: 11q23.3.
Variant type: single nucleotide variant.
Coding change: c.1000A>G on transcript NM_006389.5 (MANE Select); coding-DNA position 1000, A replaced by G.
Protein change: p.Met334Val; replaces methionine 334 with valine.
Molecular consequence: missense variant.
Genome position (GRCh38, 1-based): chr11:119,052,417, T>C on the plus strand (A>G on the coding strand, the complement: HYOU1 is on the minus strand). VCF-style: chr11-119052417-T-C. GRCh37 (hg19) VCF-style: chr11-118923129-T-C.
Other names: c.1000A>G, p.Met334Val (NM_001130991.3, NM_001411041.1); short protein forms M334V.
Identifiers: ClinVar variation 1942698 (VCV001942698.5), dbSNP rs1592148312, ClinGen allele CA382943088.

ClinVar aggregate classification (germline): Uncertain significance (1 of 4 stars; one submission).

Submission:

Labcorp Genetics (formerly Invitae), Labcorp
Classification: Uncertain significance. Last evaluated: 2022-09-10. Review status: criteria provided, single submitter. Criteria: Invitae Variant Classification Sherloc (09022015). Collection method: clinical testing. Allele origin: germline.
Comment: This variant is not present in population databases (gnomAD no frequency). This sequence change replaces methionine, which is neutral and non-polar, with valine, which is neutral and non-polar, at codon 334 of the HYOU1 protein (p.Met334Val). In summary, the available evidence is currently insufficient to determine the role of this variant in disease. Therefore, it has been classified as a Variant of Uncertain Significance. Algorithms developed to predict the effect of missense changes on protein structure and function are either unavailable or do not agree on the potential impact of this missense change (SIFT: "Not Available"; PolyPhen-2: "Benign"; Align-GVGD: "Not Available"). This variant has not been reported in the literature in individuals affected with HYOU1-related conditions.